The following is an entry in ClinVar:

ClinVar aggregate classification (germline): Uncertain significance (1 of 4 stars; one submission).

gnomAD v4.1: 13 of 1,613,778 alleles (0.00081%); highest among the groups gnomAD compares: Admixed American, 0.022%; no homozygotes.

Submission:

Labcorp Genetics (formerly Invitae), Labcorp
Classification: Uncertain significance. Last evaluated: 2025-12-11. Review status: criteria provided, single submitter. Criteria: Invitae Variant Classification Sherloc (09022015). Collection method: clinical testing. Allele origin: germline.
Comment: This sequence change replaces serine, which is neutral and polar, with asparagine, which is neutral and polar, at codon 2670 of the RNF213 protein (p.Ser2670Asn). This variant is present in population databases (rs777180225, gnomAD 0.006%). This variant has not been reported in the literature in individuals affected with RNF213-related conditions. Invitae Evidence Modeling of protein sequence and biophysical properties (such as structural, functional, and spatial information, amino acid conservation, physicochemical variation, residue mobility, and thermodynamic stability) indicates that this missense variant is not expected to disrupt RNF213 protein function with a negative predictive value of 95%. In summary, the available evidence is currently insufficient to determine the role of this variant in disease. Therefore, it has been classified as a Variant of Uncertain Significance.

NM_001256071.3(RNF213):c.8009G>A (p.Ser2670Asn)

Gene: RNF213 (ring finger protein 213; plus strand). Cytogenetic location: 17q25.3.
Variant type: single nucleotide variant.
Coding change: c.8009G>A on transcript NM_001256071.3 (MANE Select); coding-DNA position 8009, G replaced by A.
Protein change: p.Ser2670Asn; replaces serine 2670 with asparagine.
Molecular consequence: missense variant.
Genome position (GRCh38, 1-based): chr17:80,346,344, G>A. VCF-style: chr17-80346344-G-A. GRCh37 (hg19) VCF-style: chr17-78320144-G-A.
Other names: c.8156G>A, p.Ser2719Asn (NM_001410195.1, NM_020914.5); short protein forms S2670N, S2719N.
Identifiers: ClinVar variation 4747755 (VCV004747755.1).